The following is an entry in ClinVar:

ClinVar aggregate classification (germline): Benign (1 of 4 stars; one submission).

Conditions:
Sessile serrated polyposis cancer syndrome (SSPCS). Identifiers: Orphanet 157798, MedGen C4310714, MONDO:0014919, OMIM 617108.

Submission:

Myriad Genetics, Inc.
Classification: Benign for Sessile serrated polyposis cancer syndrome. Last evaluated: 2026-07-02. Review status: criteria provided, single submitter. Criteria: Myriad Autosomal Dominant, Autosomal Recessive and X-Linked Classification Criteria (2023). Collection method: clinical testing. Allele origin: unknown.
Comment: This variant is considered benign. This variant is a silent/synonymous amino acid change and it is not expected to impact splicing.

NM_017763.6(RNF43):c.1965A>G (p.Lys655=)

Gene: RNF43 (ring finger protein 43; minus strand). Cytogenetic location: 17q22.
Variant type: single nucleotide variant.
Coding change: c.1965A>G on transcript NM_017763.6 (MANE Select); coding-DNA position 1965, A replaced by G.
Protein change: p.Lys655=; no amino-acid change (lysine 655 retained).
Molecular consequence: synonymous variant.
Genome position (GRCh38, 1-based): chr17:58,357,811, T>C on the plus strand (A>G on the coding strand, the complement: RNF43 is on the minus strand). VCF-style: chr17-58357811-T-C. GRCh37 (hg19) VCF-style: chr17-56435172-T-C.
Other names: c.1965A>G, p.Lys655= (NM_001305544.3, NM_001438820.1, NM_001438821.1 and 1 more transcripts); c.1584A>G, p.Lys528= (NM_001305545.2, NM_001437987.1).
Identifiers: ClinVar variation 5042430 (VCV005042430.1).